The following is an entry in ClinVar:

NM_144997.7(FLCN):c.1062+4G>A

Gene: FLCN (folliculin; minus strand). Cytogenetic location: 17p11.2.
Variant type: single nucleotide variant.
Coding change: c.1062+4G>A on transcript NM_144997.7 (MANE Select); 4 bases into the intron after coding-DNA position 1062, G replaced by A.
Molecular consequence: intron variant.
Genome position (GRCh38, 1-based): chr17:17,219,015, C>T on the plus strand (G>A on the coding strand, the complement: FLCN is on the minus strand). VCF-style: chr17-17219015-C-T. GRCh37 (hg19) VCF-style: chr17-17122329-C-T.
Other names: c.1062+4G>A (NM_001353231.2, NM_001353230.2); c.1116+4G>A (NM_001353229.2).
Identifiers: ClinVar variation 3773466 (VCV003773466.1).
Genomic context (GRCh38, chr17:17,219,015, plus strand): 5'-GCAGGGACAGCCCATGACTGGCTCTCCTCCTGAGCTCCTGATGCGCTGTGCCCCTGCCGC[C>T]TACCTGCCTCATGTGCCGGAGGGACTTGAAGACTGGCAGCTTCCGGGGCTGCCAGCTCCC-3'

ClinVar aggregate classification (germline): Likely benign (1 of 4 stars; one submission).

Conditions:
Birt-Hogg-Dube syndrome 1 (BHD1). Also called: FIBROFOLLICULOMAS WITH TRICHODISCOMAS AND ACROCHORDONS. Identifiers: Orphanet 122, MedGen CN375946, MONDO:0800445, OMIM 135150.

Submission:

Myriad Genetics, Inc.
Classification: Likely benign for Birt-Hogg-Dube syndrome 1. Last evaluated: 2024-10-24. Review status: criteria provided, single submitter. Criteria: Myriad Autosomal Dominant, Autosomal Recessive and X-Linked Classification Criteria (2023). Collection method: clinical testing. Allele origin: unknown.
Comment: This variant is considered likely benign. This variant is intronic and is not expected to impact mRNA splicing.